The following is an entry in ClinVar:

NM_001039111.3(TRIM71):c.2323C>G (p.His775Asp)

Gene: TRIM71 (tripartite motif containing 71; plus strand). Cytogenetic location: 3p22.3.
Variant type: single nucleotide variant.
Coding change: c.2323C>G on transcript NM_001039111.3 (MANE Select); coding-DNA position 2323, C replaced by G.
Protein change: p.His775Asp; replaces histidine 775 with aspartic acid.
Molecular consequence: missense variant.
Genome position (GRCh38, 1-based): chr3:32,891,527, C>G. VCF-style: chr3-32891527-C-G. GRCh37 (hg19) VCF-style: chr3-32933019-C-G.
Other names: short protein forms H775D.
Identifiers: ClinVar variation 3360746 (VCV003360746.1).

ClinVar aggregate classification (germline): Uncertain significance (1 of 4 stars; one submission).

Submission:

GeneDx
Classification: Uncertain significance. Last evaluated: 2023-07-07. Review status: criteria provided, single submitter. Criteria: GeneDx Variant Classification Process June 2021. Collection method: clinical testing. Allele origin: germline. Affected: yes.
Comment: Not observed at significant frequency in large population cohorts (gnomAD); In silico analysis supports that this missense variant does not alter protein structure/function; Has not been previously published as pathogenic or benign to our knowledge